The following is an entry in ClinVar:

NM_000133.4(F9):c.314G>A (p.Gly105Asp)

Gene: F9 (coagulation factor IX; plus strand). Cytogenetic location: Xq27.1.
Variant type: single nucleotide variant.
Coding change: c.314G>A on transcript NM_000133.4 (MANE Select); coding-DNA position 314, G replaced by A.
Protein change: p.Gly105Asp; replaces glycine 105 with aspartic acid.
Molecular consequence: missense variant. On other transcripts: intron variant (1).
Genome position (GRCh38, 1-based): chrX:139,541,112, G>A. VCF-style: chrX-139541112-G-A. GRCh37 (hg19) VCF-style: chrX-138623271-G-A.
Other names: c.277+3726G>A (NM_001313913.2); short protein forms G105D.
Identifiers: ClinVar variation 1676742 (VCV001676742.1), dbSNP rs1927590546, ClinGen allele CA414437467.

ClinVar aggregate classification (germline): Likely pathogenic (1 of 4 stars; one submission).

Conditions:
Hereditary factor IX deficiency disease (HEMB). Also called: F9 DEFICIENCY; FACTOR IX DEFICIENCY; PLASMA THROMBOPLASTIN COMPONENT DEFICIENCY; Hemophilia B; Christmas Disease. Identifiers: Orphanet 98879, MedGen C0008533, MeSH D002836, MONDO:0010604, OMIM 306900.

Allele frequency attached by ClinVar (database versions not stated): gnomAD exomes below 0.00001.
gnomAD v4.1: 1 of 1,200,563 alleles (0.000083%); highest among the groups gnomAD compares: Non-Finnish European, 0.00011%; no homozygotes.

Submission:

ISTH-SSC Genomics in Thrombosis and Hemostasis, KU Leuven, Center for Molecular and Vascular Biology
Classification: Likely pathogenic for Hereditary factor IX deficiency disease. Review status: criteria provided, single submitter. Criteria: ACMG Guidelines, 2015. Collection method: clinical testing. Allele origin: unknown. Affected: yes.
Comment: Submitted to GoldVariant by Kathleen Freson, Center for Molecular and Vascular Biology, Leuven, Belgium

Literature cited by the submitters: PubMed 34355501.